The following is an entry in ClinVar:

NM_006348.5(COG5):c.2068C>T (p.Arg690Ter)

Gene: COG5 (component of oligomeric golgi complex 5; minus strand). Cytogenetic location: 7q22.3.
Variant type: single nucleotide variant.
Coding change: c.2068C>T on transcript NM_006348.5 (MANE Select); coding-DNA position 2068, C replaced by T.
Protein change: p.Arg690Ter; replaces arginine 690 with a stop codon.
Molecular consequence: nonsense. On other transcripts: intron variant (1).
Genome position (GRCh38, 1-based): chr7:107,236,473, G>A on the plus strand (C>T on the coding strand, the complement: COG5 is on the minus strand). VCF-style: chr7-107236473-G-A. GRCh37 (hg19) VCF-style: chr7-106876918-G-A.
Other names: c.2068C>T, p.Arg690Ter (NM_001161520.2, NM_001379513.1); c.1906C>T, p.Arg636Ter (NM_001379511.1); c.1894C>T, p.Arg632Ter (NM_001379512.1); c.1498C>T, p.Arg500Ter (NM_001379515.1); c.1354C>T, p.Arg452Ter (NM_001379516.1); c.2005C>T, p.Arg669Ter (NM_181733.4); c.1853+11923C>T (NM_001379514.1); c.2161C>T (NM_006348.3); and 1 more; short protein forms R632*, R669*, R636*, R690*, R452*, R500*.
Identifiers: ClinVar variation 2064663 (VCV002064663.6), dbSNP rs781258339, ClinGen allele CA4430715.

ClinVar aggregate classification (germline): Pathogenic/Likely pathogenic. Review status: criteria provided, multiple submitters, no conflicts (2 of 4 stars). 2 submissions from 2 submitters: Pathogenic (1); Likely pathogenic (1). Last evaluated 2025-11-21.

Conditions:
COG5-congenital disorder of glycosylation. Also called: CONGENITAL DISORDER OF GLYCOSYLATION, TYPE IIi; CDG IIi; COG5-CDG. Identifiers: Orphanet 263487, MedGen C3150876, MONDO:0013325, OMIM 613612.

Allele frequency attached by ClinVar (database versions not stated): TOPMed 0.00001; gnomAD 0.00001; ExAC 0.00002.
gnomAD v4.1: 75 of 1,613,678 alleles (0.0046%); highest among the groups gnomAD compares: Non-Finnish European, 0.0056%; no homozygotes.

Submissions (2):

GeneDx
Classification: Likely pathogenic. Last evaluated: 2025-11-21. Review status: criteria provided, single submitter. Criteria: GeneDx Variant Classification Process June 2021. Collection method: clinical testing. Allele origin: germline.
Comment: Nonsense variant predicted to result in protein truncation or nonsense mediated decay in a gene for which loss of function is a known mechanism of disease; Not observed at significant frequency in large population cohorts (gnomAD); Has not been previously published as pathogenic or benign to our knowledge

Labcorp Genetics (formerly Invitae), Labcorp
Classification: Pathogenic for COG5-congenital disorder of glycosylation. Last evaluated: 2024-11-13. Review status: criteria provided, single submitter. Criteria: Invitae Variant Classification Sherloc (09022015). Collection method: clinical testing. Allele origin: germline.
Comment: This sequence change creates a premature translational stop signal (p.Arg721*) in the COG5 gene. It is expected to result in an absent or disrupted protein product. Loss-of-function variants in COG5 are known to be pathogenic (PMID: 23228021). This variant is present in population databases (rs781258339, gnomAD 0.004%). This variant has not been reported in the literature in individuals affected with COG5-related conditions. ClinVar contains an entry for this variant (Variation ID: 2064663). Algorithms developed to predict the effect of sequence changes on RNA splicing suggest that this variant may disrupt the consensus splice site. For these reasons, this variant has been classified as Pathogenic.

Literature cited by the submitters: PubMed 23228021 (cited by Labcorp Genetics (formerly Invitae), Labcorp).